The following is an entry in ClinVar:

NM_000214.3(JAG1):c.2844del (p.Lys947_Cys948insTer)

Gene: JAG1 (jagged canonical Notch ligand 1; minus strand). Cytogenetic location: 20p12.2.
Variant type: Deletion.
Coding change: c.2844del on transcript NM_000214.3 (MANE Select); coding-DNA position 2844, one base deleted (C; older notation c.2844delC).
Protein change: p.Lys947_Cys948insTer.
Molecular consequence: nonsense.
Genome position (GRCh38, 1-based): chr20:10,641,532, G deleted on the plus strand (C on the coding strand, the reverse complement: JAG1 is on the minus strand). VCF-style (leftmost placement, unchanged base first): chr20-10641531-TG-T. GRCh37 (hg19) VCF-style: chr20-10622179-TG-T.
Identifiers: ClinVar variation 3377725 (VCV003377725.1).

ClinVar aggregate classification (germline): Likely pathogenic (1 of 4 stars; one submission).

Conditions:
Alagille syndrome due to a JAG1 point mutation. Also called: HEPATIC DUCTULAR HYPOPLASIA, SYNDROMATIC; Alagille Syndrome 1; JAG1-Related Alagille Syndrome. Identifiers: Orphanet 261619, Orphanet 52, MedGen C1956125, MONDO:0016862, OMIM 118450.

Submission:

Neuberg Centre For Genomic Medicine, NCGM
Classification: Likely pathogenic for Alagille syndrome due to a JAG1 point mutation. Last evaluated: 2023-06-22. Review status: criteria provided, single submitter. Criteria: ACMG Guidelines, 2015. Collection method: clinical testing. Allele origin: germline. Inheritance: Autosomal dominant inheritance. Affected: yes.
Comment: The observed frameshift c.2844del(p.Cys948Ter) variant in JAG1 gene has not been reported previously as a pathogenic variant nor as a benign variant, to our knowledge. This variant is absent in gnomAD Exomes. This variant is predicted to cause loss of normal protein function through protein truncation. Loss of function variants have been previously reported to be disease causing. For these reasons, this variant has been classified as Likely Pathogenic.